The following is an entry in ClinVar:

NM_013262.4(MYLIP):c.1248+3A>G

Gene: MYLIP (myosin regulatory light chain interacting protein; plus strand). Cytogenetic location: 6p22.3.
Variant type: single nucleotide variant.
Coding change: c.1248+3A>G on transcript NM_013262.4 (MANE Select); 3 bases into the intron after coding-DNA position 1248, A replaced by G.
Molecular consequence: intron variant.
Genome position (GRCh38, 1-based): chr6:16,145,320, A>G. VCF-style: chr6-16145320-A-G. GRCh37 (hg19) VCF-style: chr6-16145551-A-G.
Identifiers: ClinVar variation 3603781 (VCV003603781.2).

ClinVar aggregate classification (germline): Uncertain significance (1 of 4 stars; one submission).

gnomAD v4.1: 28 of 1,573,006 alleles (0.0018%); highest among the groups gnomAD compares: Non-Finnish European, 0.0023%; no homozygotes.

Submission:

Labcorp Genetics (formerly Invitae), Labcorp
Classification: Uncertain significance. Last evaluated: 2024-04-06. Review status: criteria provided, single submitter. Criteria: Invitae Variant Classification Sherloc (09022015). Collection method: clinical testing. Allele origin: germline.
Comment: This sequence change falls in intron 6 of the MYLIP gene. It does not directly change the encoded amino acid sequence of the MYLIP protein. It affects a nucleotide within the consensus splice site. This variant is present in population databases (rs374261222, gnomAD 0.005%). This variant has not been reported in the literature in individuals affected with MYLIP-related conditions. Variants that disrupt the consensus splice site are a relatively common cause of aberrant splicing (PMID: 17576681, 9536098). Algorithms developed to predict the effect of sequence changes on RNA splicing suggest that this variant is not likely to affect RNA splicing. In summary, the available evidence is currently insufficient to determine the role of this variant in disease. Therefore, it has been classified as a Variant of Uncertain Significance.

Literature cited by the submitters: PubMed 17576681; PubMed 9536098.